The following is an entry in ClinVar:

NM_152564.5(VPS13B):c.5966T>A (p.Val1989Glu)

Gene: VPS13B (vacuolar protein sorting 13 homolog B; plus strand). Cytogenetic location: 8q22.2.
Variant type: single nucleotide variant.
Coding change: c.5966T>A on transcript NM_152564.5 (MANE Select); coding-DNA position 5966, T replaced by A.
Protein change: p.Val1989Glu; replaces valine 1989 with glutamic acid.
Molecular consequence: missense variant.
Genome position (GRCh38, 1-based): chr8:99,661,411, T>A. VCF-style: chr8-99661411-T-A. GRCh37 (hg19) VCF-style: chr8-100673639-T-A.
Other names: c.6041T>A, p.Val2014Glu (NM_017890.5); short protein forms V1989E, V2014E.
Identifiers: ClinVar variation 3348171 (VCV003348171.1).

ClinVar aggregate classification (germline): Uncertain significance (0 of 4 stars; one submission).

Conditions:
VPS13B-related disorder. Also called: VPS13B-related condition.

Submission:

PreventionGenetics, part of Exact Sciences
Classification: Uncertain significance for VPS13B-related condition. Last evaluated: 2024-03-26. Review status: no assertion criteria provided. Collection method: clinical testing. Allele origin: germline.
Comment: The VPS13B c.5966T>A variant is predicted to result in the amino acid substitution p.Val1989Glu. To our knowledge, this variant has not been reported in the literature or in a large population database, indicating this variant is rare. At this time, the clinical significance of this variant is uncertain due to the absence of conclusive functional and genetic evidence.